The following is an entry in ClinVar:

NM_001042492.3(NF1):c.7190-33TTGT[3]

Gene: NF1 (neurofibromin 1; plus strand). Cytogenetic location: 17q11.2.
Variant type: Microsatellite.
Coding change: c.7190-33TTGT[3] on transcript NM_001042492.3 (MANE Select); three copies in a row of the 4-base unit TTGT starting at c.7190-33.
Molecular consequence: intron variant.
Genome position: GRCh38 VCF-style: chr17-31349086-CTTGTTTGTTTGT-C. GRCh37 (hg19) VCF-style: chr17-29676104-CTTGTTTGTTTGT-C.
Other names: c.7127-19_7127-8del (NM_000267.3); c.7127-33_7127-22delTTGTTTGTTTGT (NM_000267.3); c.7127-33TTGT[3] (NM_000267.4); c.7190-19_7190-8del (NM_001042492.3); c.7127-19_7127-8del12 (NM_000267.3); c.7127-19_7127-8delGTTTGTTTGTTT (NM_000267.3); c.7190-19_7190-8delGTTTGTTTGTTT (NM_001042492.2).
Identifiers: ClinVar variation 257301 (VCV000257301.50), dbSNP rs149197458, ClinGen allele CA8487517.

ClinVar aggregate classification (germline): Benign/Likely benign. Review status: criteria provided, multiple submitters, no conflicts (2 of 4 stars). 12 submissions from 12 submitters: Benign (8); Likely benign (4). Last evaluated 2026-08-01.

Conditions:
Hereditary cancer-predisposing syndrome. Also called: Hereditary neoplastic syndrome; Hereditary Cancer Syndrome; Neoplastic Syndromes, Hereditary; Tumor predisposition. Identifiers: Orphanet 140162, MedGen C0027672, MeSH D009386, MONDO:0015356.
Neurofibromatosis, type 1 (NF1). Also called: Neurofibromatosis, type I; Peripheral type neurofibromatosis; VON RECKLINGHAUSEN DISEASE; NEUROFIBROMATOSIS, TYPE I, SOMATIC. Identifiers: Orphanet 636, MedGen C0027831, MONDO:0018975, OMIM 162200. Disease mechanism: loss of function.

Submissions (12):

CeGaT Center for Human Genetics Tuebingen
Classification: Likely benign. Last evaluated: 2026-08-01. Review status: criteria provided, single submitter. Criteria: CeGaT Center For Human Genetics Tuebingen Variant Classification Criteria Version 2. Collection method: clinical testing. Allele origin: germline. Affected: yes. Observed: 20 variant alleles.
Comment: NF1: BP4

Dasa
Classification: Benign. Last evaluated: 2025-11-11. Review status: criteria provided, single submitter. Criteria: DASA Assertion Criteria. Collection method: clinical testing. Allele origin: germline.
Comment: NM_001042492.3(NF1):c.7190-19_7190-8del is an intronic variant. Population frequency is inconsistent with a disease-causing role for this variant, and observations in unaffected individuals support a benign interpretation. Therefore, based on the currently available evidence, this variant is classified as benign.

Quest Diagnostics Nichols Institute San Juan Capistrano
Classification: Benign. Last evaluated: 2025-05-06. Review status: criteria provided, single submitter. Criteria: Quest Diagnostics criteria. Collection method: clinical testing. Allele origin: unknown.

Blueprint Genetics
Classification: Likely benign. Last evaluated: 2024-11-14. Review status: criteria provided, single submitter. Criteria: ACMG Guidelines, 2015. Collection method: clinical testing. Allele origin: germline.

St. Jude Molecular Pathology, St. Jude Children's Research Hospital
Classification: Benign for Neurofibromatosis, type 1. Last evaluated: 2022-10-07. Review status: criteria provided, single submitter. Criteria: ACMG Guidelines, 2015. Collection method: clinical testing. Allele origin: germline. Affected: yes.
Comment: The NF1 c.7127-19_7127-8delGTTTGTTTGTTT change has a maximum subpopulation frequency of 3.38% in gnomAD v2.1.1 including 6 homozygotes. Algorithms that predict the impact of sequence changes on splicing indicate that this variant does not affect splicing. To our knowledge, this variant has not been reported in individuals with Neurofibromatosis type 1. In summary, this variant meets criteria to be classified as benign.

Sema4
Classification: Likely benign for Hereditary cancer-predisposing syndrome. Last evaluated: 2021-04-23. Review status: criteria provided, single submitter. Criteria: Sema4 Curation Guidelines. Collection method: curation. Allele origin: germline.

Athena Diagnostics
Classification: Benign. Last evaluated: 2021-04-19. Review status: criteria provided, single submitter. Criteria: Athena Diagnostics criteria. Collection method: clinical testing. Allele origin: unknown.

Genome Diagnostics Laboratory, The Hospital for Sick Children
Classification: Benign for Neurofibromatosis, type 1. Last evaluated: 2020-10-26. Review status: criteria provided, single submitter. Criteria: ACMG Guidelines, 2015. Collection method: clinical testing. Allele origin: germline. Affected: yes.

GeneDx
Classification: Likely benign. Last evaluated: 2020-03-01. Review status: criteria provided, single submitter. Criteria: GeneDx Variant Classification Process June 2021. Collection method: clinical testing. Allele origin: germline. Affected: yes.

Women's Health and Genetics/Laboratory Corporation of America, LabCorp
Classification: Benign. Last evaluated: 2020-01-14. Review status: criteria provided, single submitter. Criteria: LabCorp Variant Classification Summary - May 2015. Collection method: clinical testing. Allele origin: germline.
Comment: Variant summary: NF1 c.7127-19_7127-8del12 (also known as c.7127-19_7127-8delGTTTGTTTGTTT) alters a set of nucleotides located close to a canonical splice site and therefore could affect mRNA splicing, leading to a significantly altered protein sequence. 4/4 computational tools predict no significant impact on normal splicing. However, these predictions have yet to be confirmed by functional studies. The variant allele was found at a frequency of 0.0025 in 154686 control chromosomes in the gnomAD database, including 4 homozygotes. The observed variant frequency is approximately 12 fold of the estimated maximal expected allele frequency for a pathogenic variant in NF1 causing Neurofibromatosis Type 1 phenotype (0.00021), strongly suggesting that the variant is benign. To our knowledge, no occurrence of c.7127-19_7127-8del12 in individuals affected with Neurofibromatosis Type 1 and no experimental evidence demonstrating its impact on protein function have been reported. Four clinical diagnostic laboratories have submitted clinical-significance assessments for this variant to ClinVar after 2014 without evidence for independent evaluation (2 as benign, 1 as likely benign; and 1 as a VUS). Based on the evidence outlined above, the variant was classified as benign.

ARUP Laboratories, Molecular Genetics and Genomics, ARUP Laboratories
Classification: Benign. Last evaluated: 2018-07-26. Review status: criteria provided, single submitter. Criteria: ARUP Molecular Germline Variant Investigation Process. Collection method: clinical testing. Allele origin: germline.

PreventionGenetics, part of Exact Sciences
Classification: Benign. Last evaluated: 2016-04-22. Review status: criteria provided, single submitter. Criteria: ACMG Guidelines, 2015. Collection method: clinical testing. Allele origin: germline.

Literature cited by the submitters: PubMed 10678181 (cited by Women's Health and Genetics/Laboratory Corporation of America, LabCorp); PubMed 23460398 (cited by Women's Health and Genetics/Laboratory Corporation of America, LabCorp).